The following is an entry in ClinVar:

NM_001372044.2(SHANK3):c.3920C>T (p.Pro1307Leu)

Gene: SHANK3 (SH3 and multiple ankyrin repeat domains 3; plus strand). Cytogenetic location: 22q13.33.
Variant type: single nucleotide variant.
Coding change: c.3920C>T on transcript NM_001372044.2 (MANE Select); coding-DNA position 3920, C replaced by T.
Protein change: p.Pro1307Leu; replaces proline 1307 with leucine.
Molecular consequence: missense variant.
Genome position (GRCh38, 1-based): chr22:50,721,528, C>T. VCF-style: chr22-50721528-C-T. GRCh37 (hg19) VCF-style: chr22-51159956-C-T.
Other names: short protein forms P1307L.
Identifiers: ClinVar variation 5039885 (VCV005039885.1).
Genomic context (GRCh38, chr22:50,721,528, plus strand): 5'-TGCACGCCACCAGCAACGGGCAGGAGCCCAGCAGGCTGGGGGGGGCCGAAGAGGAGCGCC[C>T]GGGCACCCCGGAGTTGGCCCCGGCCCCCATGCAGTCAGCGGCTGTGGCAGAGCCCCTGCC-3'
Protein context (NP_001358973.1, residues 1297-1317): SRLGGAEEER[Pro1307Leu]GTPELAPAPM

ClinVar aggregate classification (germline): Likely benign (1 of 4 stars; one submission).

Submission:

CeGaT Center for Human Genetics Tuebingen
Classification: Likely benign. Last evaluated: 2026-08-01. Review status: criteria provided, single submitter. Criteria: CeGaT Center For Human Genetics Tuebingen Variant Classification Criteria Version 2. Collection method: clinical testing. Allele origin: germline. Affected: yes. Observed: 1 variant allele.
Comment: SHANK3: BP4